The following is an entry in ClinVar:

NM_001527.4(HDAC2):c.128T>C (p.Leu43Pro)

Gene: HDAC2 (histone deacetylase 2; minus strand). Cytogenetic location: 6q21.
Variant type: single nucleotide variant.
Coding change: c.128T>C on transcript NM_001527.4 (MANE Select); coding-DNA position 128, T replaced by C.
Protein change: p.Leu43Pro; replaces leucine 43 with proline.
Molecular consequence: missense variant. On other transcripts: non-coding transcript variant (2).
Genome position (GRCh38, 1-based): chr6:113,959,943, A>G on the plus strand (T>C on the coding strand, the complement: HDAC2 is on the minus strand). VCF-style: chr6-113959943-A-G. GRCh37 (hg19) VCF-style: chr6-114281107-A-G.
Other names: short protein forms L43P.
Identifiers: ClinVar variation 5000241 (VCV005000241.1).

ClinVar aggregate classification (germline): Uncertain significance (1 of 4 stars; one submission).

Conditions:
HDAC2-related disorder. Also called: HDAC2-related condition.

Submission:

PreventionGenetics, part of Exact Sciences
Classification: Uncertain significance for HDAC2-related condition. Last evaluated: 2025-08-21. Review status: criteria provided, single submitter. Criteria: ACMG Guidelines, 2015. Collection method: clinical testing. Allele origin: germline.
Comment: The HDAC2 c.128T>C variant is predicted to result in the amino acid substitution p.Leu43Pro. To our knowledge, this variant has not been reported in the literature or in a large population database (gnomAD), indicating this variant is rare. At this time, the clinical significance of this variant is uncertain due to the absence of conclusive functional and genetic evidence.